The following is an entry in ClinVar:

NM_145290.4(ADGRA3):c.2066C>T (p.Thr689Ile)

Gene: ADGRA3 (adhesion G protein-coupled receptor A3; minus strand). Cytogenetic location: 4p15.2.
Variant type: single nucleotide variant.
Coding change: c.2066C>T on transcript NM_145290.4 (MANE Select); coding-DNA position 2066, C replaced by T.
Protein change: p.Thr689Ile; replaces threonine 689 with isoleucine.
Molecular consequence: missense variant.
Genome position (GRCh38, 1-based): chr4:22,413,348, G>A on the plus strand (C>T on the coding strand, the complement: ADGRA3 is on the minus strand). VCF-style: chr4-22413348-G-A. GRCh37 (hg19) VCF-style: chr4-22414971-G-A.
Other names: short protein forms T689I.
Identifiers: ClinVar variation 2776578 (VCV002776578.3), dbSNP rs1332604226, ClinGen allele CA356479758.

ClinVar aggregate classification (germline): Uncertain significance (1 of 4 stars; one submission).

Allele frequency attached by ClinVar (database versions not stated): gnomAD exomes below 0.00001; TOPMed below 0.00001.
gnomAD v4.1: 5 of 1,614,050 alleles (0.00031%); highest among the groups gnomAD compares: South Asian, 0.0011%; no homozygotes.

Submission:

Labcorp Genetics (formerly Invitae), Labcorp
Classification: Uncertain significance. Last evaluated: 2024-01-05. Review status: criteria provided, single submitter. Criteria: Invitae Variant Classification Sherloc (09022015). Collection method: clinical testing. Allele origin: germline.
Comment: This sequence change replaces threonine, which is neutral and polar, with isoleucine, which is neutral and non-polar, at codon 689 of the ADGRA3 protein (p.Thr689Ile). This variant is not present in population databases (gnomAD no frequency). This variant has not been reported in the literature in individuals affected with ADGRA3-related conditions. An algorithm developed to predict the effect of missense changes on protein structure and function (PolyPhen-2) suggests that this variant is likely to be disruptive. In summary, the available evidence is currently insufficient to determine the role of this variant in disease. Therefore, it has been classified as a Variant of Uncertain Significance.